The following is an entry in ClinVar:

NM_016219.5(MAN1B1):c.1969G>T (p.Glu657Ter)

Gene: MAN1B1 (mannosidase alpha class 1B member 1; plus strand). Cytogenetic location: 9q34.3.
Variant type: single nucleotide variant.
Coding change: c.1969G>T on transcript NM_016219.5 (MANE Select); coding-DNA position 1969, G replaced by T.
Protein change: p.Glu657Ter; replaces glutamic acid 657 with a stop codon.
Molecular consequence: nonsense. On other transcripts: non-coding transcript variant (2).
Genome position (GRCh38, 1-based): chr9:137,108,460, G>T. VCF-style: chr9-137108460-G-T. GRCh37 (hg19) VCF-style: chr9-140002912-G-T.
Other names: short protein forms E657*.
Identifiers: ClinVar variation 5018930 (VCV005018930.2).

ClinVar aggregate classification (germline): Uncertain significance (1 of 4 stars; one submission).

Conditions:
Rafiq syndrome (RAFQS). Identifiers: Orphanet 88616, MedGen C3280127, MONDO:0013624, OMIM 614202.

Submission:

Juno Genomics, Hangzhou Juno Genomics, Inc
Classification: Uncertain significance for Rafiq syndrome. Review status: criteria provided, single submitter. Criteria: ACMG Guidelines, 2015. Collection method: clinical testing. Allele origin: germline.
Comment: Absent from controls (or at extremely low frequency if recessive) in Genome Aggregation Database.;Null variant in a gene where loss of function (LOF) is a known mechanism of disease.